The following is an entry in ClinVar:

NM_000368.5(TSC1):c.413C>T (p.Thr138Ile)

Gene: TSC1 (TSC complex subunit 1; minus strand). Cytogenetic location: 9q34.13.
Variant type: single nucleotide variant.
Coding change: c.413C>T on transcript NM_000368.5 (MANE Select); coding-DNA position 413, C replaced by T.
Protein change: p.Thr138Ile; replaces threonine 138 with isoleucine.
Molecular consequence: missense variant.
Genome position (GRCh38, 1-based): chr9:132,923,443, G>A on the plus strand (C>T on the coding strand, the complement: TSC1 is on the minus strand). VCF-style: chr9-132923443-G-A. GRCh37 (hg19) VCF-style: chr9-135798830-G-A.
Other names: c.413C>T, p.Thr138Ile (NM_001162426.2); c.260C>T, p.Thr87Ile (NM_001162427.2); c.50C>T, p.Thr17Ile (NM_001362177.2); short protein forms T17I, T87I, T138I.
Identifiers: ClinVar variation 957606 (VCV000957606.14), dbSNP rs1163879822, ClinGen allele CA375373548.

ClinVar aggregate classification (germline): Uncertain significance. Review status: criteria provided, multiple submitters, no conflicts (2 of 4 stars). 3 submissions from 3 submitters: Uncertain significance (3). Last evaluated 2026-08-25.

Conditions:
Tuberous sclerosis 1 (TSC1). Identifiers: Orphanet 805, MedGen C1854465, MONDO:0008612, OMIM 191100.
Hereditary cancer-predisposing syndrome. Also called: Neoplastic Syndromes, Hereditary; Hereditary Cancer Syndrome; Tumor predisposition; Hereditary neoplastic syndrome. Identifiers: Orphanet 140162, MedGen C0027672, MeSH D009386, MONDO:0015356.

Submissions (3):

Ambry Genetics
Classification: Uncertain significance for Hereditary cancer-predisposing syndrome. Last evaluated: 2026-08-25. Review status: criteria provided, single submitter. Criteria: Ambry Variant Classification Scheme 2023. Collection method: clinical testing. Allele origin: germline.
Comment: The p.T138I variant (also known as c.413C>T), located in coding exon 4 of the TSC1 gene, results from a C to T substitution at nucleotide position 413. The threonine at codon 138 is replaced by isoleucine, an amino acid with similar properties. This amino acid position is conserved. In addition, this alteration is predicted to be deleterious by in silico analysis. Based on the available evidence, the clinical significance of this variant remains unclear.

Labcorp Genetics (formerly Invitae), Labcorp
Classification: Uncertain significance for Tuberous sclerosis 1. Last evaluated: 2025-07-30. Review status: criteria provided, single submitter. Criteria: Invitae Variant Classification Sherloc (09022015). Collection method: clinical testing. Allele origin: germline.
Comment: This sequence change replaces threonine, which is neutral and polar, with isoleucine, which is neutral and non-polar, at codon 138 of the TSC1 protein (p.Thr138Ile). This variant is not present in population databases (gnomAD no frequency). This variant has not been reported in the literature in individuals affected with TSC1-related conditions. ClinVar contains an entry for this variant (Variation ID: 957606). Invitae Evidence Modeling of protein sequence and biophysical properties (such as structural, functional, and spatial information, amino acid conservation, physicochemical variation, residue mobility, and thermodynamic stability) indicates that this missense variant is not expected to disrupt TSC1 protein function with a negative predictive value of 95%. In summary, the available evidence is currently insufficient to determine the role of this variant in disease. Therefore, it has been classified as a Variant of Uncertain Significance.

GeneDx
Classification: Uncertain significance. Last evaluated: 2023-06-14. Review status: criteria provided, single submitter. Criteria: GeneDx Variant Classification Process June 2021. Collection method: clinical testing. Allele origin: germline. Affected: yes.
Comment: Not observed at significant frequency in large population cohorts (gnomAD); In silico analysis supports that this missense variant has a deleterious effect on protein structure/function; Has not been previously published as pathogenic or benign to our knowledge